The following is an entry in ClinVar:

ClinVar aggregate classification (germline): Benign/Likely benign. Review status: criteria provided, multiple submitters, no conflicts (2 of 4 stars). 6 submissions from 5 submitters: Benign (1); Likely benign (4). 1 of the submissions does not count toward it. Last evaluated 2026-01-28.

Conditions:
AMPD2-related disorder. Also called: AMPD2-related condition.
Hereditary spastic paraplegia 63. Also called: Spastic paraplegia 63, autosomal recessive. Identifiers: Orphanet 401805, MedGen C3810295, MONDO:0014305, OMIM 615686.
Pontocerebellar hypoplasia type 9. Identifiers: Orphanet 369920, MedGen C4014354, MONDO:0014351, OMIM 615809.

Allele frequency attached by ClinVar (database versions not stated): ESP Exome Variant Server 0.00138; 1000 Genomes Project 30x 0.00078; gnomAD 0.00159; 1000 Genomes Project 0.00060; TOPMed 0.00136.

Submissions (6):

Labcorp Genetics (formerly Invitae), Labcorp
Classification: Benign for Pontocerebellar hypoplasia type 9; Hereditary spastic paraplegia 63. Last evaluated: 2026-01-28. Review status: criteria provided, single submitter. Criteria: Invitae Variant Classification Sherloc (09022015). Collection method: clinical testing. Allele origin: germline.

Genome-Nilou Lab
Classification: Likely benign for Hereditary spastic paraplegia 63. Last evaluated: 2023-04-11. Review status: criteria provided, single submitter. Criteria: ACMG Guidelines, 2015. Collection method: clinical testing. Allele origin: germline. Affected: no.

Genome-Nilou Lab
Classification: Likely benign for Pontocerebellar hypoplasia type 9. Last evaluated: 2023-04-11. Review status: criteria provided, single submitter. Criteria: ACMG Guidelines, 2015. Collection method: clinical testing. Allele origin: germline. Affected: no.

GeneDx
Classification: Likely benign. Last evaluated: 2021-03-17. Review status: criteria provided, single submitter. Criteria: GeneDx Variant Classification Process June 2021. Collection method: clinical testing. Allele origin: germline. Affected: yes.

Breakthrough Genomics
Classification: Likely benign. Review status: criteria provided, single submitter. Criteria: ACMG Guidelines, 2015. Collection method: not provided. Allele origin: germline. Inheritance: Autosomal recessive inheritance. Affected: yes.

PreventionGenetics, part of Exact Sciences
Classification: Likely benign for AMPD2-related condition. Last evaluated: 2019-11-07. Review status: no assertion criteria provided. Collection method: clinical testing. Allele origin: germline. Not counted in ClinVar's aggregate classification.
Comment: This variant is classified as likely benign based on ACMG/AMP sequence variant interpretation guidelines (Richards et al. 2015 PMID: 25741868, with internal and published modifications).

NM_001368809.2(AMPD2):c.1587C>A (p.Thr529=)

Genes: AMPD2 (adenosine monophosphate deaminase 2; plus strand), LOC126805822 (BRD4-independent group 4 enhancer GRCh37_chr1:110170748-110171947; plus strand). Cytogenetic location: 1p13.3.
Variant type: single nucleotide variant.
Coding change: c.1587C>A on transcript NM_001368809.2 (MANE Select); coding-DNA position 1587, C replaced by A.
Protein change: p.Thr529=; no amino-acid change (threonine 529 retained).
Molecular consequence: synonymous variant.
Genome position (GRCh38, 1-based): chr1:109,629,124, C>A. VCF-style: chr1-109629124-C-A. GRCh37 (hg19) VCF-style: chr1-110171746-C-A.
Other names: c.1749C>A (NM_001257360.1); c.1395C>A, p.Thr465= (NM_001257361.2); c.1524C>A, p.Thr508= (NM_001308170.1); c.1587C>A, p.Thr529= (NM_004037.9); c.1506C>A, p.Thr502= (NM_139156.4).
Identifiers: ClinVar variation 703122 (VCV000703122.16), dbSNP rs35337955, ClinGen allele CA993144.